The following is an entry in ClinVar:

NM_001127178.3(PIGG):c.2131C>G (p.Leu711Val)

Gene: PIGG (phosphatidylinositol glycan anchor biosynthesis class G (EMM blood group); plus strand). Cytogenetic location: 4p16.3.
Variant type: single nucleotide variant.
Coding change: c.2131C>G on transcript NM_001127178.3 (MANE Select); coding-DNA position 2131, C replaced by G.
Protein change: p.Leu711Val; replaces leucine 711 with valine.
Molecular consequence: missense variant. On other transcripts: non-coding transcript variant (10).
Genome position (GRCh38, 1-based): chr4:527,100, C>G. VCF-style: chr4-527100-C-G. GRCh37 (hg19) VCF-style: chr4-520889-C-G.
Other names: c.1864C>G, p.Leu622Val (NM_001289051.2, NM_001345986.2); c.1732C>G, p.Leu578Val (NM_001289052.2); c.1840C>G, p.Leu614Val (NM_001345987.2); c.1102C>G, p.Leu368Val (NM_001345988.2); c.598C>G, p.Leu200Val (NM_001345990.2, NM_001345991.2); c.1033C>G, p.Leu345Val (NM_001345994.2); c.2107C>G, p.Leu703Val (NM_017733.5); short protein forms L614V, L368V, L578V, L622V, L345V, L711V, L200V, L703V.
Identifiers: ClinVar variation 970213 (VCV000970213.10), dbSNP rs1727844860, ClinGen allele CA355908558.
Genomic context (GRCh38, chr4:527,100, plus strand): 5'-TCTGACCACAAAGCCGAGCTCTCTGTCCTGGCTGCCCTCTCCCTCCTCGTAGTTTTTGTG[C>G]TGGTGCAGAGGGGGTGCTCCCCTGTGTCCAAGGCTGCCCTGGCGCTGGGGCTGCTGGGCG-3'
Protein context (NP_001120650.1, residues 701-721): AALSLLVVFV[Leu711Val]VQRGCSPVSK

ClinVar aggregate classification (germline): Uncertain significance (1 of 4 stars; one submission).

Conditions:
Intellectual disability, autosomal recessive 53 (NEDHSCA). Also called: GLYCOSYLPHOSPHATIDYLINOSITOL BIOSYNTHESIS DEFECT 13; Mental retardation, autosomal recessive 53; NEURODEVELOPMENTAL DISORDER WITH OR WITHOUT HYPOTONIA, SEIZURES, AND CEREBELLAR ATROPHY. Identifiers: Orphanet 488635, MedGen C4310794, MONDO:0014832, OMIM 616917.

Submission:

Labcorp Genetics (formerly Invitae), Labcorp
Classification: Uncertain significance for Intellectual disability, autosomal recessive 53. Last evaluated: 2019-10-12. Review status: criteria provided, single submitter. Criteria: Invitae Variant Classification Sherloc (09022015). Collection method: clinical testing. Allele origin: germline.
Comment: In summary, the available evidence is currently insufficient to determine the role of this variant in disease. Therefore, it has been classified as a Variant of Uncertain Significance. Algorithms developed to predict the effect of missense changes on protein structure and function are either unavailable or do not agree on the potential impact of this missense change (SIFT: "Tolerated"; PolyPhen-2: "Probably Damaging"; Align-GVGD: "Class C0"). This variant has not been reported in the literature in individuals with PIGG-related conditions. This variant is not present in population databases (ExAC no frequency). This sequence change replaces leucine with valine at codon 711 of the PIGG protein (p.Leu711Val). The leucine residue is moderately conserved and there is a small physicochemical difference between leucine and valine.